The following is an entry in ClinVar:

NM_000038.6(APC):c.4183A>G (p.Ser1395Gly)

Gene: APC (APC regulator of Wnt signaling pathway; plus strand). Cytogenetic location: 5q22.2.
Variant type: single nucleotide variant.
Coding change: c.4183A>G on transcript NM_000038.6 (MANE Select); coding-DNA position 4183, A replaced by G.
Protein change: p.Ser1395Gly; replaces serine 1395 with glycine.
Molecular consequence: missense variant.
Genome position (GRCh38, 1-based): chr5:112,839,777, A>G. VCF-style: chr5-112839777-A-G. GRCh37 (hg19) VCF-style: chr5-112175474-A-G.
Other names: c.4183A>G, p.Ser1395Gly (NM_001127510.3, NM_001354895.2); c.4129A>G, p.Ser1377Gly (NM_001127511.3); c.4237A>G, p.Ser1413Gly (NM_001354896.2); c.4213A>G, p.Ser1405Gly (NM_001354897.2); c.4108A>G, p.Ser1370Gly (NM_001354898.2); c.4099A>G, p.Ser1367Gly (NM_001354899.2); c.4060A>G, p.Ser1354Gly (NM_001354900.2); c.4006A>G, p.Ser1336Gly (NM_001354901.2); and 5 more; short protein forms S1112G, S1377G, S1405G, S1235G, S1294G, S1304G, S1354G, S1269G.
Identifiers: ClinVar variation 945327 (VCV000945327.11), dbSNP rs137854578, ClinGen allele CA16030496.

ClinVar aggregate classification (germline): Uncertain significance. Review status: criteria provided, multiple submitters, no conflicts (2 of 4 stars). 2 submissions from 2 submitters: Uncertain significance (2). Last evaluated 2022-09-15.

Conditions:
Hereditary cancer-predisposing syndrome. Also called: Neoplastic Syndromes, Hereditary; Hereditary Cancer Syndrome; Tumor predisposition; Hereditary neoplastic syndrome. Identifiers: Orphanet 140162, MedGen C0027672, MeSH D009386, MONDO:0015356.
Familial adenomatous polyposis 1 (FAP1). Also called: POLYPOSIS, ADENOMATOUS INTESTINAL; FAMILIAL ADENOMATOUS POLYPOSIS 1, ATTENUATED. Identifiers: MedGen C2713442, MONDO:0021056, OMIM 175100. Disease mechanism: loss of function.

Submissions (2):

Labcorp Genetics (formerly Invitae), Labcorp
Classification: Uncertain significance for Familial adenomatous polyposis 1. Last evaluated: 2022-09-15. Review status: criteria provided, single submitter. Criteria: Invitae Variant Classification Sherloc (09022015). Collection method: clinical testing. Allele origin: germline.
Comment: In summary, the available evidence is currently insufficient to determine the role of this variant in disease. Therefore, it has been classified as a Variant of Uncertain Significance. Advanced modeling of protein sequence and biophysical properties (such as structural, functional, and spatial information, amino acid conservation, physicochemical variation, residue mobility, and thermodynamic stability) performed at Invitae indicates that this missense variant is not expected to disrupt APC protein function. ClinVar contains an entry for this variant (Variation ID: 945327). This variant has not been reported in the literature in individuals affected with APC-related conditions. This variant is not present in population databases (gnomAD no frequency). This sequence change replaces serine, which is neutral and polar, with glycine, which is neutral and non-polar, at codon 1395 of the APC protein (p.Ser1395Gly).

Sema4
Classification: Uncertain significance for Hereditary cancer-predisposing syndrome. Last evaluated: 2021-11-15. Review status: criteria provided, single submitter. Criteria: Sema4 Curation Guidelines. Collection method: curation. Allele origin: germline.
Comment: The APC c.4183A>G (p.S1395G) variant has not been reported in the literature to our knowledge. It was not observed in the large and broad cohorts of the Genome Aggregation Database (PMID: 32461654). This variant has been reported in ClinVar (Variation ID 945327). Functional studies have not been performed, and in silico predictions of the variant's effect on protein function are inconclusive. The evidence is insufficient to meet ACMG/AMP criteria for classifying the variant as benign or pathogenic. Thus, the clinical significance of this variant is currently uncertain.